The following is an entry in ClinVar:

NM_017514.5(PLXNA3):c.1167G>A (p.Leu389=)

Gene: PLXNA3 (plexin A3; plus strand). Cytogenetic location: Xq28.
Variant type: single nucleotide variant.
Coding change: c.1167G>A on transcript NM_017514.5 (MANE Select); coding-DNA position 1167, G replaced by A.
Protein change: p.Leu389=; no amino-acid change (leucine 389 retained).
Molecular consequence: synonymous variant.
Genome position (GRCh38, 1-based): chrX:154,462,160, G>A. VCF-style: chrX-154462160-G-A. GRCh37 (hg19) VCF-style: chrX-153690500-G-A.
Identifiers: ClinVar variation 3041592 (VCV003041592.2), dbSNP rs139573527, ClinGen allele CA10563943.

ClinVar aggregate classification (germline): Likely benign (0 of 4 stars; one submission).

Conditions:
PLXNA3-related disorder. Also called: PLXNA3-related condition.

Allele frequency attached by ClinVar (database versions not stated): 1000 Genomes Project 0.00053; 1000 Genomes Project 30x 0.00083; gnomAD 0.00091; ESP Exome Variant Server 0.00095.
gnomAD v4.1: 1,220 of 1,200,990 alleles (0.1%); highest among the groups gnomAD compares: Middle Eastern, 0.14%; 1 homozygote.

Submission:

PreventionGenetics, part of Exact Sciences
Classification: Likely benign for PLXNA3-related condition. Last evaluated: 2021-09-09. Review status: no assertion criteria provided. Collection method: clinical testing. Allele origin: germline.
Comment: This variant is classified as likely benign based on ACMG/AMP sequence variant interpretation guidelines (Richards et al. 2015 PMID: 25741868, with internal and published modifications).